The following is an entry in ClinVar:

NM_001330195.2(NRXN3):c.3142+3A>G

Gene: NRXN3 (neurexin 3; plus strand). Cytogenetic location: 14q31.1.
Variant type: single nucleotide variant.
Coding change: c.3142+3A>G on transcript NM_001330195.2 (MANE Select); 3 bases into the intron after coding-DNA position 3142, A replaced by G.
Molecular consequence: intron variant.
Genome position (GRCh38, 1-based): chr14:78,968,349, A>G. VCF-style: chr14-78968349-A-G. GRCh37 (hg19) VCF-style: chr14-79434692-A-G.
Other names: c.3154+3A>G (NM_001366426.1); c.3142+3A>G (NM_001366425.1); c.2023+3A>G (NM_004796.6).
Identifiers: ClinVar variation 375396 (VCV000375396.4), dbSNP rs531047390, ClinGen allele CA7292088.

ClinVar aggregate classification (germline): Uncertain significance. Review status: criteria provided, multiple submitters, no conflicts (2 of 4 stars). 4 submissions from 4 submitters: Uncertain significance (3). 1 of the submissions does not count toward it. Last evaluated 2022-05-27.

Conditions:
Short stature. Identifiers: MedGen C0349588, HP:0004322.
Relative macrocephaly. Identifiers: MedGen C1849075, HP:0004482.

Allele frequency attached by ClinVar (database versions not stated): gnomAD 0.00001 and 0.00004; TOPMed 0.00002; gnomAD exomes 0.00011 and 0.00020; ExAC 0.00022.
gnomAD v4.1: 167 of 1,611,888 alleles (0.01%); highest among the groups gnomAD compares: South Asian, 0.11%; 1 homozygote.

Submissions (4):

Clinical Genetics Laboratory, Skane University Hospital Lund
Classification: Uncertain significance. Last evaluated: 2022-05-27. Review status: criteria provided, single submitter. Criteria: ACMG Guidelines, 2015. Collection method: clinical testing. Allele origin: germline. Affected: yes.

Mendelics
Classification: Uncertain significance. Last evaluated: 2022-05-04. Review status: criteria provided, single submitter. Criteria: Mendelics Assertion Criteria 2019. Collection method: clinical testing. Allele origin: germline.

Blueprint Genetics
Classification: Uncertain significance. Last evaluated: 2019-12-18. Review status: criteria provided, single submitter. Criteria: ACMG Guidelines, 2015. Collection method: clinical testing. Allele origin: germline.

Lupski Lab, Baylor-Hopkins CMG, Baylor College of Medicine
Classification: Pathogenic for Relative macrocephaly; Short stature. Review status: no assertion criteria provided. Collection method: research. Allele origin: germline. Inheritance: Autosomal recessive inheritance. Affected: yes. Not counted in ClinVar's aggregate classification.